The following is an entry in ClinVar:

NM_145239.3(PRRT2):c.475G>A (p.Glu159Lys)

Genes: MVP-DT (MVP divergent transcript; minus strand), PRRT2 (proline rich transmembrane protein 2; plus strand). Cytogenetic location: 16p11.2.
Variant type: single nucleotide variant.
Coding change: c.475G>A on transcript NM_145239.3 (MANE Select); coding-DNA position 475, G replaced by A.
Protein change: p.Glu159Lys; replaces glutamic acid 159 with lysine.
Molecular consequence: missense variant.
Genome position (GRCh38, 1-based): chr16:29,813,529, G>A. VCF-style: chr16-29813529-G-A. GRCh37 (hg19) VCF-style: chr16-29824850-G-A.
Other names: c.475G>A, p.Glu159Lys (NM_001256442.2, NM_001256443.2); short protein forms E159K.
Identifiers: ClinVar variation 2822981 (VCV002822981.3), dbSNP rs1299006419, ClinGen allele CA395478774.

ClinVar aggregate classification (germline): Uncertain significance (1 of 4 stars; one submission).

Conditions:
Episodic kinesigenic dyskinesia (EKD). Also called: Paroxysmal kinesigenic dyskinesia. Identifiers: Orphanet 98809, MedGen C1868682, MONDO:0044202.

gnomAD v4.1: 2 of 1,613,662 alleles (0.00012%); highest among the groups gnomAD compares: South Asian, 0.0022%; no homozygotes.

Submission:

Labcorp Genetics (formerly Invitae), Labcorp
Classification: Uncertain significance for Episodic kinesigenic dyskinesia. Last evaluated: 2023-07-22. Review status: criteria provided, single submitter. Criteria: Invitae Variant Classification Sherloc (09022015). Collection method: clinical testing. Allele origin: germline.
Comment: This sequence change replaces glutamic acid, which is acidic and polar, with lysine, which is basic and polar, at codon 159 of the PRRT2 protein (p.Glu159Lys). This variant is present in population databases (no rsID available, gnomAD 0.003%). This variant has not been reported in the literature in individuals affected with PRRT2-related conditions. Advanced modeling of protein sequence and biophysical properties (such as structural, functional, and spatial information, amino acid conservation, physicochemical variation, residue mobility, and thermodynamic stability) performed at Invitae indicates that this missense variant is not expected to disrupt PRRT2 protein function. In summary, the available evidence is currently insufficient to determine the role of this variant in disease. Therefore, it has been classified as a Variant of Uncertain Significance.